The following is an entry in ClinVar:

NM_001077350.3(NPRL3):c.1443G>T (p.Arg481Ser)

Genes: HBA-LCR (alpha-globin locus control region; plus strand), NPRL3 (NPR3 like, GATOR1 complex subunit; minus strand). Cytogenetic location: 16p13.3.
Variant type: single nucleotide variant.
Coding change: c.1443G>T on transcript NM_001077350.3 (MANE Select); coding-DNA position 1443, G replaced by T.
Protein change: p.Arg481Ser; replaces arginine 481 with serine.
Molecular consequence: missense variant.
Genome position (GRCh38, 1-based): chr16:88,799, C>A on the plus strand (G>T on the coding strand, the complement: NPRL3 is on the minus strand). VCF-style: chr16-88799-C-A. GRCh37 (hg19) VCF-style: chr16-138797-C-A.
Other names: c.906G>T, p.Arg302Ser (NM_001039476.3); c.1209G>T, p.Arg403Ser (NM_001243247.2); c.1368G>T, p.Arg456Ser (NM_001243248.2, NM_001243249.2); short protein forms R456S, R481S, R302S, R403S.
Identifiers: ClinVar variation 834118 (VCV000834118.7), dbSNP rs1898620865, ClinGen allele CA394048885.

ClinVar aggregate classification (germline): Uncertain significance (1 of 4 stars; one submission).

Conditions:
Epilepsy, familial focal, with variable foci 3 (FFEVF3). Identifiers: MedGen C4310708, MONDO:0014925, OMIM 617118.

Allele frequency attached by ClinVar (database versions not stated): gnomAD 0.00001.
gnomAD v4.1: 8 of 1,613,618 alleles (0.0005%); highest among the groups gnomAD compares: Non-Finnish European, 0.00068%; no homozygotes.

Submission:

Labcorp Genetics (formerly Invitae), Labcorp
Classification: Uncertain significance for Epilepsy, familial focal, with variable foci 3. Last evaluated: 2024-10-15. Review status: criteria provided, single submitter. Criteria: Invitae Variant Classification Sherloc (09022015). Collection method: clinical testing. Allele origin: germline.
Comment: This sequence change replaces arginine, which is basic and polar, with serine, which is neutral and polar, at codon 481 of the NPRL3 protein (p.Arg481Ser). This variant is not present in population databases (gnomAD no frequency). This variant has not been reported in the literature in individuals affected with NPRL3-related conditions. ClinVar contains an entry for this variant (Variation ID: 834118). Invitae Evidence Modeling of protein sequence and biophysical properties (such as structural, functional, and spatial information, amino acid conservation, physicochemical variation, residue mobility, and thermodynamic stability) indicates that this missense variant is not expected to disrupt NPRL3 protein function with a negative predictive value of 80%. In summary, the available evidence is currently insufficient to determine the role of this variant in disease. Therefore, it has been classified as a Variant of Uncertain Significance.